The following is an entry in ClinVar:

ClinVar aggregate classification (germline): Uncertain significance. Review status: criteria provided, multiple submitters, no conflicts (2 of 4 stars). 4 submissions from 4 submitters: Uncertain significance (3). 1 of the submissions does not count toward it. Last evaluated 2026-09-09.

Conditions:
Duchenne muscular dystrophy (DMD). Also called: Duchenne Muscular Dystrophy (DMD); MUSCULAR DYSTROPHY, PSEUDOHYPERTROPHIC PROGRESSIVE, DUCHENNE TYPE. Identifiers: Orphanet 98896, MedGen C0013264, MONDO:0010679, OMIM 310200.
Cardiomyopathy (CMYO). Also called: Cardiomyopathies. Identifiers: Orphanet 167848, MedGen C0878544, MONDO:0004994, HP:0001638. Inheritance: Various modes of inheritance.
Dystrophin deficiency.
Becker muscular dystrophy (BMD). Also called: Becker Muscular Dystrophy (BMD); MUSCULAR DYSTROPHY, PSEUDOHYPERTROPHIC PROGRESSIVE, BECKER TYPE. Identifiers: Orphanet 98895, MedGen C0917713, MONDO:0010311, OMIM 300376.

Submissions (4):

GeneDx
Classification: Uncertain significance. Last evaluated: 2026-09-09. Review status: criteria provided, single submitter. Criteria: GeneDx Variant Classification Process June 2021. Collection method: clinical testing. Allele origin: germline.
Comment: In silico analysis supports that this missense variant has a deleterious effect on protein structure/function; Missense variant in a gene in which most reported pathogenic variants are truncating/loss-of-function; Not observed at significant frequency in large population cohorts (gnomAD); This variant is associated with the following publications: (PMID: 20457930, 15952989)

Labcorp Genetics (formerly Invitae), Labcorp
Classification: Uncertain significance for Duchenne muscular dystrophy. Last evaluated: 2025-08-18. Review status: criteria provided, single submitter. Criteria: Invitae Variant Classification Sherloc (09022015). Collection method: clinical testing. Allele origin: germline.
Comment: This sequence change replaces arginine, which is basic and polar, with proline, which is neutral and non-polar, at codon 82 of the DMD protein (p.Arg82Pro). This variant is not present in population databases (gnomAD no frequency). This missense change has been observed in individual(s) with Becker muscular dystrophy (PMID: 15952989; internal data). This variant is also known as G453C. ClinVar contains an entry for this variant (Variation ID: 575707). Invitae Evidence Modeling of protein sequence and biophysical properties (such as structural, functional, and spatial information, amino acid conservation, physicochemical variation, residue mobility, and thermodynamic stability) indicates that this missense variant is not expected to disrupt DMD protein function with a negative predictive value of 95%. In summary, the available evidence is currently insufficient to determine the role of this variant in disease. Therefore, it has been classified as a Variant of Uncertain Significance.

Eurofins Ntd Llc (ga)
Classification: Uncertain significance. Last evaluated: 2017-09-19. Review status: criteria provided, single submitter. Criteria: EGL Classification Definitions 2015. Collection method: clinical testing. Allele origin: germline. Observed: 1 variant allele, 1 hemizygote.

Natera, Inc.
Classification: Uncertain significance for Becker muscular dystrophy; Cardiomyopathy; Duchenne muscular dystrophy; Dystrophin deficiency. Last evaluated: 2020-04-15. Review status: no assertion criteria provided. Collection method: clinical testing. Allele origin: germline. Not counted in ClinVar's aggregate classification.

Literature cited by the submitters: PubMed 15952989 (cited by Labcorp Genetics (formerly Invitae), Labcorp and Eurofins Ntd Llc (ga)).

NM_004006.3(DMD):c.245G>C (p.Arg82Pro)

Gene: DMD (dystrophin; minus strand). Cytogenetic location: Xp21.1.
Variant type: single nucleotide variant.
Coding change: c.245G>C on transcript NM_004006.3 (MANE Select); coding-DNA position 245, G replaced by C.
Protein change: p.Arg82Pro; replaces arginine 82 with proline.
Molecular consequence: missense variant. On other transcripts: 5 prime UTR variant (1).
Genome position (GRCh38, 1-based): chrX:32,844,802, C>G on the plus strand (G>C on the coding strand, the complement: DMD is on the minus strand). VCF-style: chrX-32844802-C-G. GRCh37 (hg19) VCF-style: chrX-32862919-C-G.
Other names: c.221G>C, p.Arg74Pro (NM_000109.4); c.233G>C, p.Arg78Pro (NM_004009.3); c.-125G>C (NM_004010.3); short protein forms R82P, R74P, R78P.
Identifiers: ClinVar variation 575707 (VCV000575707.15), dbSNP rs1228664222, ClinGen allele CA412674671.